The following is an entry in ClinVar:

ClinVar aggregate classification (germline): Pathogenic (1 of 4 stars; one submission).

Conditions:
Inborn genetic diseases. Identifiers: MedGen C0950123, MeSH D030342.

Submission:

Ambry Genetics
Classification: Pathogenic for Inborn genetic diseases. Last evaluated: 2025-03-10. Review status: criteria provided, single submitter. Criteria: Ambry Variant Classification Scheme 2023. Collection method: clinical testing. Allele origin: germline.
Comment: The c.6478C>T (p.Q2160*) alteration, located in exon 9 (coding exon 5) of the HIVEP2 gene, consists of a C to T substitution at nucleotide position 6478. This changes the amino acid from a glutamine (Q) to a stop codon at amino acid position 2160. This variant is not expected to trigger nonsense-mediated mRNA decay, and impacts the last 11.7% of the protein. However, premature stop codons are typically deleterious in nature, the impacted region is critical for protein function, and a significant portion of the protein is affected (Ambry internal data). This variant was not reported in population-based cohorts in the Genome Aggregation Database (gnomAD). Based on the available evidence, this alteration is classified as pathogenic.

NM_006734.4(HIVEP2):c.6478C>T (p.Gln2160Ter)

Gene: HIVEP2 (HIVEP zinc finger 2; minus strand). Cytogenetic location: 6q24.2.
Variant type: single nucleotide variant.
Coding change: c.6478C>T on transcript NM_006734.4 (MANE Select); coding-DNA position 6478, C replaced by T.
Protein change: p.Gln2160Ter; replaces glutamine 2160 with a stop codon.
Molecular consequence: nonsense.
Genome position (GRCh38, 1-based): chr6:142,759,810, G>A on the plus strand (C>T on the coding strand, the complement: HIVEP2 is on the minus strand). VCF-style: chr6-142759810-G-A. GRCh37 (hg19) VCF-style: chr6-143080947-G-A.
Other names: short protein forms Q2160*.
Identifiers: ClinVar variation 3857980 (VCV003857980.1).